The following is an entry in ClinVar:

ClinVar aggregate classification (germline): Benign/Likely benign. Review status: criteria provided, multiple submitters, no conflicts (2 of 4 stars). 30 submissions from 23 submitters: Benign (18); Likely benign (5). 7 of the submissions do not count toward it. Last evaluated 2026-09-01.

Conditions:
TTN-related disorder. Also called: TTN-related disorders; TTN-related condition; TTN-related disease.
Cardiovascular phenotype. Identifiers: MedGen CN230736.
Dilated cardiomyopathy 1G (CMD1G). Identifiers: Orphanet 154, MedGen C1858763, MONDO:0011400, OMIM 604145.
Autosomal recessive limb-girdle muscular dystrophy type 2J (LGMDR10). Also called: MUSCULAR DYSTROPHY, LIMB-GIRDLE, AUTOSOMAL RECESSIVE 10; Limb-girdle muscular dystrophy, type 2J. Identifiers: Orphanet 140922, MedGen C1837342, MONDO:0012127, OMIM 608807.
Cardiomyopathy (CMYO). Also called: Cardiomyopathies. Identifiers: Orphanet 167848, MedGen C0878544, MONDO:0004994, HP:0001638. Inheritance: Various modes of inheritance.
Early-onset myopathy with fatal cardiomyopathy (CMYO5). Also called: CONGENITAL MYOPATHY 5 WITH CARDIOMYOPATHY; Salih Myopathy. Identifiers: Orphanet 289377, MedGen C2673677, MONDO:0012714, OMIM 611705. Disease mechanism: loss of function.
Tibial muscular dystrophy (TMD). Also called: Udd Distal Myopathy – Tibial Muscular Dystrophy; Tibial muscular dystrophy, tardive; UDD MYOPATHY. Identifiers: Orphanet 609, MedGen C1838244, MONDO:0010870, OMIM 600334.
Myopathy, myofibrillar, 9, with early respiratory failure (MFM9). Also called: Myopathy, distal, with early respiratory failure, autosomal dominant; Hereditary myopathy with early respiratory failure; MYOPATHY, PROXIMAL, WITH EARLY RESPIRATORY MUSCLE INVOLVEMENT; EDSTROM MYOPATHY. Identifiers: Orphanet 178464, Orphanet 34521, MedGen C1863599, MONDO:0011362, OMIM 603689.

Allele frequency attached by ClinVar (database versions not stated): ESP Exome Variant Server 0.01135; gnomAD exomes 0.01165 and 0.01335; gnomAD 0.01166 and 0.01212; 1000 Genomes Project 30x 0.00531; 1000 Genomes Project 0.00439; TOPMed 0.00760; ExAC 0.01065.
gnomAD v4.1: 21,155 of 1,613,574 alleles (1.3%); highest among the groups gnomAD compares: Non-Finnish European, 1.4%; 207 homozygotes.

Submissions 1 to 20 of 30:

CeGaT Center for Human Genetics Tuebingen
Classification: Benign. Last evaluated: 2026-09-01. Review status: criteria provided, single submitter. Criteria: CeGaT Center For Human Genetics Tuebingen Variant Classification Criteria Version 2. Collection method: clinical testing. Allele origin: germline. Affected: yes. Observed: 77 variant alleles.
Comment: TTN: BS1, BS2

Labcorp Genetics (formerly Invitae), Labcorp
Classification: Benign for Dilated cardiomyopathy 1G; Autosomal recessive limb-girdle muscular dystrophy type 2J. Last evaluated: 2026-02-03. Review status: criteria provided, single submitter. Criteria: Invitae Variant Classification Sherloc (09022015). Collection method: clinical testing. Allele origin: germline.

ARUP Laboratories, Molecular Genetics and Genomics, ARUP Laboratories
Classification: Benign. Last evaluated: 2025-05-20. Review status: criteria provided, single submitter. Criteria: ARUP Molecular Germline Variant Investigation Process 2024. Collection method: clinical testing. Allele origin: germline.

Molecular Diagnostic Laboratory for Inherited Cardiovascular Disease, Montreal Heart Institute
Classification: Benign. Last evaluated: 2025-04-09. Review status: criteria provided, single submitter. Criteria: ACMG Guidelines, 2015. Collection method: clinical testing. Allele origin: germline. Affected: no.

Blueprint Genetics
Classification: Likely benign. Last evaluated: 2024-11-25. Review status: criteria provided, single submitter. Criteria: ACMG Guidelines, 2015. Collection method: clinical testing. Allele origin: germline.

Athena Diagnostics
Classification: Benign. Last evaluated: 2023-12-18. Review status: criteria provided, single submitter. Criteria: Athena Diagnostics Criteria. Collection method: clinical testing. Allele origin: unknown.

CHEO Genetics Diagnostic Laboratory, Children's Hospital of Eastern Ontario
Classification: Benign for Cardiomyopathy. Last evaluated: 2022-11-30. Review status: criteria provided, single submitter. Criteria: ACMG Guidelines, 2015. Collection method: clinical testing. Allele origin: germline.

Mayo Clinic Laboratories, Mayo Clinic
Classification: Benign. Last evaluated: 2022-06-24. Review status: criteria provided, single submitter. Criteria: ACMG Guidelines, 2015. Collection method: clinical testing. Allele origin: germline. Observed: 45 variant alleles.
Comment: BA1

Genome-Nilou Lab
Classification: Benign for Autosomal recessive limb-girdle muscular dystrophy type 2J. Last evaluated: 2021-09-10. Review status: criteria provided, single submitter. Criteria: ACMG Guidelines, 2015. Collection method: clinical testing. Allele origin: germline. Affected: no.

Genome-Nilou Lab
Classification: Benign for Myopathy, myofibrillar, 9, with early respiratory failure. Last evaluated: 2021-09-10. Review status: criteria provided, single submitter. Criteria: ACMG Guidelines, 2015. Collection method: clinical testing. Allele origin: germline. Affected: no.

Genome-Nilou Lab
Classification: Benign for Early-onset myopathy with fatal cardiomyopathy. Last evaluated: 2021-09-10. Review status: criteria provided, single submitter. Criteria: ACMG Guidelines, 2015. Collection method: clinical testing. Allele origin: germline. Affected: no.

Genome-Nilou Lab
Classification: Benign for Tibial muscular dystrophy. Last evaluated: 2021-09-10. Review status: criteria provided, single submitter. Criteria: ACMG Guidelines, 2015. Collection method: clinical testing. Allele origin: germline. Affected: no.

Women's Health and Genetics/Laboratory Corporation of America, LabCorp
Classification: Likely benign. Last evaluated: 2020-08-16. Review status: criteria provided, single submitter. Criteria: LabCorp Variant Classification Summary - May 2015. Collection method: clinical testing. Allele origin: germline.

Illumina Laboratory Services, Illumina
Classification: Likely benign for Early-onset myopathy with fatal cardiomyopathy. Last evaluated: 2018-01-12. Review status: criteria provided, single submitter. Criteria: ICSL Variant Classification Criteria 13 December 2019. Collection method: clinical testing. Allele origin: germline.
Comment: This variant was observed in the ICSL laboratory as part of a predisposition screen in an ostensibly healthy population. It had not been previously curated by ICSL or reported in the Human Gene Mutation Database (HGMD: prior to June 1st, 2018), and was therefore a candidate for classification through an automated scoring system. Utilizing variant allele frequency, disease prevalence and penetrance estimates, and inheritance mode, an automated score was calculated to assess if this variant is too frequent to cause the disease. Based on the score and internal cut-off values, a variant classified as likely benign is not then subjected to further curation. The score for this variant resulted in a classification of likely benign for this disease.

Illumina Laboratory Services, Illumina
Classification: Likely benign for Dilated cardiomyopathy 1G. Last evaluated: 2018-01-12. Review status: criteria provided, single submitter. Criteria: ICSL Variant Classification Criteria 13 December 2019. Collection method: clinical testing. Allele origin: germline.
Comment: the same text as in the submission from Illumina Laboratory Services, Illumina above.

Illumina Laboratory Services, Illumina
Classification: Benign for Tibial muscular dystrophy. Last evaluated: 2018-01-12. Review status: criteria provided, single submitter. Criteria: ICSL Variant Classification Criteria 13 December 2019. Collection method: clinical testing. Allele origin: germline.
Comment: This variant was observed in the ICSL laboratory as part of a predisposition screen in an ostensibly healthy population. It had not been previously curated by ICSL or reported in the Human Gene Mutation Database (HGMD: prior to June 1st, 2018), and was therefore a candidate for classification through an automated scoring system. Utilizing variant allele frequency, disease prevalence and penetrance estimates, and inheritance mode, an automated score was calculated to assess if this variant is too frequent to cause the disease. Based on the score and internal cut-off values, a variant classified as benign is not then subjected to further curation. The score for this variant resulted in a classification of benign for this disease.

Illumina Laboratory Services, Illumina
Classification: Likely benign for Autosomal recessive limb-girdle muscular dystrophy type 2J. Last evaluated: 2018-01-12. Review status: criteria provided, single submitter. Criteria: ICSL Variant Classification Criteria 13 December 2019. Collection method: clinical testing. Allele origin: germline.
Comment: the same text as in the submission from Illumina Laboratory Services, Illumina above.

Illumina Laboratory Services, Illumina
Classification: Benign for Myopathy, myofibrillar, 9, with early respiratory failure. Last evaluated: 2018-01-12. Review status: criteria provided, single submitter. Criteria: ICSL Variant Classification Criteria 13 December 2019. Collection method: clinical testing. Allele origin: germline.
Comment: the same text as in the submission from Illumina Laboratory Services, Illumina above.

Eurofins Ntd Llc (ga)
Classification: Benign. Last evaluated: 2017-04-04. Review status: criteria provided, single submitter. Criteria: EGL Classification Definitions 2015. Collection method: clinical testing. Allele origin: germline. Observed: 1 variant allele, 1 heterozygote.

GeneDx
Classification: Benign. Last evaluated: 2014-01-03. Review status: criteria provided, single submitter. Criteria: GeneDx Variant Classification (06012015). Collection method: clinical testing. Allele origin: germline. Affected: yes.
Comment: This variant is considered likely benign or benign based on one or more of the following criteria: it is a conservative change, it occurs at a poorly conserved position in the protein, it is predicted to be benign by multiple in silico algorithms, and/or has population frequency not consistent with disease.

NM_001267550.2(TTN):c.70696G>C (p.Gly23566Arg)

Genes: TTN-AS1 (TTN antisense RNA 1; plus strand), TTN (titin; minus strand). Cytogenetic location: 2q31.2.
Variant type: single nucleotide variant.
Coding change: c.70696G>C on transcript NM_001267550.2 (MANE Select); coding-DNA position 70696, G replaced by C.
Protein change: p.Gly23566Arg; replaces glycine 23566 with arginine.
Molecular consequence: missense variant.
Genome position (GRCh38, 1-based): chr2:178,575,436, C>G on the plus strand (G>C on the coding strand, the complement: TTN is on the minus strand). VCF-style: chr2-178575436-C-G. GRCh37 (hg19) VCF-style: chr2-179440163-C-G.
Other names: p.G20998R:GGC>CGC; c.65773G>C, p.Gly21925Arg (NM_001256850.1); c.43501G>C, p.Gly14501Arg (NM_003319.4); c.62992G>C, p.Gly20998Arg (NM_133378.4); c.43876G>C, p.Gly14626Arg (NM_133432.3); c.44077G>C, p.Gly14693Arg (NM_133437.4); short protein forms G23566R, G20998R, G21925R, G14626R, G14501R, G14693R.
Identifiers: ClinVar variation 47290 (VCV000047290.83), dbSNP rs55801134, ClinGen allele CA283687.
Genomic context (GRCh38, chr2:178,575,436, plus strand): 5'-TCACGGTTGTGATGTGGGTCCACTGGTCAGAGCCTTTTCTTTGGGCTTCAATCACATAGC[C>G]AGTGATCTTGCTGCCACCATCGTGTTTGGGCTTAGGCCATGCCAGGCTGACGGTGCTCTT-3'
Protein context (NP_001254479.2, residues 23556-23576): PKHDGGSKIT[Gly23566Arg]YVIEAQRKGS